The following is an entry in ClinVar:

NM_000330.4(RS1):c.52+2T>C

Gene: RS1 (retinoschisin 1; minus strand). Cytogenetic location: Xp22.13.
Variant type: single nucleotide variant.
Coding change: c.52+2T>C on transcript NM_000330.4 (MANE Select); the canonical splice donor site of the intron after coding-DNA position 52, T replaced by C.
Molecular consequence: splice donor variant.
Genome position (GRCh38, 1-based): chrX:18,672,015, A>G on the plus strand (T>C on the coding strand, the complement: RS1 is on the minus strand). VCF-style: chrX-18672015-A-G. GRCh37 (hg19) VCF-style: chrX-18690135-A-G.
Identifiers: ClinVar variation 98977 (VCV000098977.3), dbSNP rs281865334, ClinGen allele CA226766.

ClinVar aggregate classification (germline): Pathogenic. Review status: reviewed by expert panel (3 of 4 stars). 3 submissions from 3 submitters: Pathogenic (1). 2 of the submissions do not count toward it. Last evaluated 2026-09-26.

Conditions:
Juvenile retinoschisis (RS1). Also called: X-linked retinoschisis; X-Linked Juvenile Retinoschisis. Identifiers: Orphanet 792, MedGen C3714753, MONDO:0010725, OMIM 312700.

Submissions (3):

ClinGen X-linked Inherited Retinal Disease Variant Curation Expert Panel, ClinGen
Classification: Pathogenic for Juvenile retinoschisis. Last evaluated: 2026-09-26. Review status: reviewed by expert panel. Criteria: ClinGen X LinkedIRD ACMG Specifications RS1 V1.0.0. Collection method: curation. Allele origin: germline. Inheritance: X-linked inheritance.
Comment: The NM_000330.4(RS1):c.52+2T>C variant is a canonical splice site variant in intron 1, located 2 nucleotides after exon 1. This variant is absent from hemizygous individuals in gnomAD v4.1.0 (PM2_Supporting). This variant occurs at a canonical splice site in intron 1 and is predicted to disrupt splicing and induce skipping of exon 1, which is expected to disrupt a critical functional domain in RS1 (PVS1). At least one proband harboring this variant exhibits the following phenotypes: schisis, reduced visual acuity before age 13 years, and retinal detachment, which together are specific for X-linked retinoschisis (PMID: 17615541, PP4_Moderate). This variant has been reported in at least 3 apparently unrelated probands meeting one of the PS4 requirements of a male diagnosed with XLRS (PMIDs: 11217940, 11738458, 17296904, 28348004, 29739629, 30551202, 34822951, PS4_Moderate). In summary, this variant is classified as pathogenic for X-linked retinoschisis based on the ClinGen X-linked Inherited Retinal Disease Expert Panel Specifications to the ACMG/AMP Variant Interpretation Guidelines for RS1 Version 1.0.0: PM2_Supporting, PVS1, PP4_Moderate, and PS4_Moderate.

North West Genomic Laboratory Hub, Manchester University NHS Foundation Trust
Classification: Pathogenic for Juvenile retinoschisis. Last evaluated: 2024-01-03. Review status: criteria provided, single submitter. Criteria: ACGS Best Practice Guidelines for Variant Classification in Rare Disease 2020. Collection method: clinical testing. Allele origin: germline. Affected: yes. Not counted in ClinVar's aggregate classification.
Comment: PM2_Mod PS4_Mod PVS1_Str PP4_Mod

Retina International
No classification provided. Review status: no classification provided. Collection method: not provided. Allele origin: not provided. Not counted in ClinVar's aggregate classification.